The following is an entry in ClinVar:

ClinVar aggregate classification (germline): Uncertain significance (1 of 4 stars; one submission).

gnomAD v4.1: 12 of 1,613,952 alleles (0.00074%); highest among the groups gnomAD compares: East Asian, 0.011%; no homozygotes.

Submission:

Labcorp Genetics (formerly Invitae), Labcorp
Classification: Uncertain significance. Last evaluated: 2024-12-12. Review status: criteria provided, single submitter. Criteria: Invitae Variant Classification Sherloc (09022015). Collection method: clinical testing. Allele origin: germline.
Comment: This sequence change replaces serine, which is neutral and polar, with phenylalanine, which is neutral and non-polar, at codon 985 of the ADAMTSL4 protein (p.Ser985Phe). This variant is present in population databases (rs587742902, gnomAD 0.02%). This variant has not been reported in the literature in individuals affected with ADAMTSL4-related conditions. Invitae Evidence Modeling of protein sequence and biophysical properties (such as structural, functional, and spatial information, amino acid conservation, physicochemical variation, residue mobility, and thermodynamic stability) has been performed for this missense variant. However, the output from this modeling did not meet the statistical confidence thresholds required to predict the impact of this variant on ADAMTSL4 protein function. In summary, the available evidence is currently insufficient to determine the role of this variant in disease. Therefore, it has been classified as a Variant of Uncertain Significance.

NM_019032.6(ADAMTSL4):c.2954C>T (p.Ser985Phe)

Gene: ADAMTSL4 (ADAMTS like 4; plus strand). Cytogenetic location: 1q21.2.
Variant type: single nucleotide variant.
Coding change: c.2954C>T on transcript NM_019032.6 (MANE Select); coding-DNA position 2954, C replaced by T.
Protein change: p.Ser985Phe; replaces serine 985 with phenylalanine.
Molecular consequence: missense variant.
Genome position (GRCh38, 1-based): chr1:150,559,771, C>T. VCF-style: chr1-150559771-C-T. GRCh37 (hg19) VCF-style: chr1-150532247-C-T.
Other names: c.2837C>T, p.Ser946Phe (NM_001288607.2); c.3023C>T, p.Ser1008Phe (NM_001288608.2); c.2954C>T, p.Ser985Phe (NM_001378596.1); short protein forms S1008F, S946F, S985F.
Identifiers: ClinVar variation 3617131 (VCV003617131.1).